The following is an entry in ClinVar:

ClinVar aggregate classification (germline): Uncertain significance (1 of 4 stars; one submission).

Submission:

Labcorp Genetics (formerly Invitae), Labcorp
Classification: Uncertain significance. Last evaluated: 2022-11-14. Review status: criteria provided, single submitter. Criteria: Invitae Variant Classification Sherloc (09022015). Collection method: clinical testing. Allele origin: germline.
Comment: In summary, the available evidence is currently insufficient to determine the role of this variant in disease. Therefore, it has been classified as a Variant of Uncertain Significance. This variant has not been reported in the literature in individuals affected with TSR2-related conditions. This variant is not present in population databases (gnomAD no frequency). This sequence change affects codon 102 of the TSR2 mRNA. It is a 'silent' change, meaning that it does not change the encoded amino acid sequence of the TSR2 protein.

NM_058163.3(TSR2):c.304A>C (p.Arg102=)

Gene: TSR2 (TSR2 ribosome maturation factor; plus strand). Cytogenetic location: Xp11.22.
Variant type: single nucleotide variant.
Coding change: c.304A>C on transcript NM_058163.3 (MANE Select); coding-DNA position 304, A replaced by C.
Protein change: p.Arg102=; no amino-acid change (arginine 102 retained).
Molecular consequence: synonymous variant.
Genome position (GRCh38, 1-based): chrX:54,444,047, A>C. VCF-style: chrX-54444047-A-C. GRCh37 (hg19) VCF-style: chrX-54470480-A-C.
Other names: c.19A>C, p.Arg7= (NM_001346791.2, NM_001346792.2, NM_001346790.2); c.295A>C, p.Arg99= (NM_001346789.2).
Identifiers: ClinVar variation 2814309 (VCV002814309.3), dbSNP rs2522676357, ClinGen allele CA516697774.
Genomic context (GRCh38, chrX:54,444,047, plus strand): 5'-GGTTGAATATTTTCTTGGTAGGTGAGCCAGCAACTGCAGACCATGTTCCACCACTTCCAG[A>C]GGGGTGATGGGGCTGCTCTGAGGGAGATGGCCTCCTGCATCACTCAGAGAAAATGCAAGG-3'
Protein context (NP_477511.1, residues 92-112): QLQTMFHHFQ[Arg102=]GDGAALREMA